The following is an entry in ClinVar:

NM_020937.4(FANCM):c.3385G>A (p.Asp1129Asn)

Gene: FANCM (FA complementation group M; plus strand). Cytogenetic location: 14q21.2.
Variant type: single nucleotide variant.
Coding change: c.3385G>A on transcript NM_020937.4 (MANE Select); coding-DNA position 3385, G replaced by A.
Protein change: p.Asp1129Asn; replaces aspartic acid 1129 with asparagine.
Molecular consequence: missense variant.
Genome position (GRCh38, 1-based): chr14:45,176,139, G>A. VCF-style: chr14-45176139-G-A. GRCh37 (hg19) VCF-style: chr14-45645342-G-A.
Other names: c.3307G>A, p.Asp1103Asn (NM_001308133.2); short protein forms D1103N, D1129N.
Identifiers: ClinVar variation 4619553 (VCV004619553.1).

ClinVar aggregate classification (germline): Uncertain significance (1 of 4 stars; one submission).

Conditions:
Inborn genetic diseases. Identifiers: MedGen C0950123, MeSH D030342.

Submission:

Ambry Genetics
Classification: Uncertain significance for Inborn genetic diseases. Last evaluated: 2025-11-02. Review status: criteria provided, single submitter. Criteria: Ambry Variant Classification Scheme 2023. Collection method: clinical testing. Allele origin: germline.
Comment: The p.D1129N variant (also known as c.3385G>A), located in coding exon 14 of the FANCM gene, results from a G to A substitution at nucleotide position 3385. The aspartic acid at codon 1129 is replaced by asparagine, an amino acid with highly similar properties. This amino acid position is conserved. In addition, this alteration is predicted to be tolerated by in silico analysis. Based on the available evidence, the clinical significance of this variant remains unclear.